The following is an entry in ClinVar:

ClinVar aggregate classification (germline): Benign/Likely benign. Review status: criteria provided, multiple submitters, no conflicts (2 of 4 stars). 6 submissions from 6 submitters: Benign (2); Likely benign (3). 1 of the submissions does not count toward it. Last evaluated 2026-02-04.

Conditions:
Finnish congenital nephrotic syndrome (NPHS1). Also called: NEPHROTIC SYNDROME, TYPE 1. Identifiers: Orphanet 839, MedGen C0403399, MONDO:0009732, OMIM 256300.
Congenital nephrotic syndrome. Also called: Familial nephrotic syndrome. Identifiers: MedGen C3501848, MeSH C535761, MONDO:0002350, HP:0008677.

Allele frequency attached by ClinVar (database versions not stated): gnomAD exomes 0.00105 and 0.00266; gnomAD 0.01172 and 0.01076; ExAC 0.00321; 1000 Genomes Project 30x 0.00812; TOPMed 0.01225; 1000 Genomes Project 0.00819; ESP Exome Variant Server 0.01338.
gnomAD v4.1: 3,202 of 1,614,148 alleles (0.2%); highest among the groups gnomAD compares: African/African-American, 3.8%; 63 homozygotes.

Submissions (6):

Labcorp Genetics (formerly Invitae), Labcorp
Classification: Benign. Last evaluated: 2026-02-04. Review status: criteria provided, single submitter. Criteria: Invitae Variant Classification Sherloc (09022015). Collection method: clinical testing. Allele origin: germline.

Women's Health and Genetics/Laboratory Corporation of America, LabCorp
Classification: Likely benign. Last evaluated: 2025-04-14. Review status: criteria provided, single submitter. Criteria: LabCorp Variant Classification Summary - May 2015. Collection method: clinical testing. Allele origin: germline.

GeneDx
Classification: Likely benign. Last evaluated: 2021-05-03. Review status: criteria provided, single submitter. Criteria: GeneDx Variant Classification Process June 2021. Collection method: clinical testing. Allele origin: germline. Affected: yes.
Comment: See Variant Classification Assertion Criteria.

Illumina Laboratory Services, Illumina
Classification: Likely benign for Congenital nephrotic syndrome. Last evaluated: 2018-01-12. Review status: criteria provided, single submitter. Criteria: ICSL Variant Classification Criteria 13 December 2019. Collection method: clinical testing. Allele origin: germline.
Comment: This variant was observed in the ICSL laboratory as part of a predisposition screen in an ostensibly healthy population. It had not been previously curated by ICSL or reported in the Human Gene Mutation Database (HGMD: prior to June 1st, 2018), and was therefore a candidate for classification through an automated scoring system. Utilizing variant allele frequency, disease prevalence and penetrance estimates, and inheritance mode, an automated score was calculated to assess if this variant is too frequent to cause the disease. Based on the score and internal cut-off values, a variant classified as likely benign is not then subjected to further curation. The score for this variant resulted in a classification of likely benign for this disease.

PreventionGenetics, part of Exact Sciences
Classification: Benign. Review status: criteria provided, single submitter. Criteria: ACMG Guidelines, 2015. Collection method: clinical testing. Allele origin: germline.

Natera, Inc.
Classification: Benign for Finnish congenital nephrotic syndrome. Last evaluated: 2019-12-05. Review status: no assertion criteria provided. Collection method: clinical testing. Allele origin: germline. Not counted in ClinVar's aggregate classification.

NM_004646.4(NPHS1):c.1930+12G>A

Gene: NPHS1 (NPHS1 adhesion molecule, nephrin; minus strand). Cytogenetic location: 19q13.12.
Variant type: single nucleotide variant.
Coding change: c.1930+12G>A on transcript NM_004646.4 (MANE Select); 12 bases into the intron after coding-DNA position 1930, G replaced by A.
Molecular consequence: intron variant.
Genome position (GRCh38, 1-based): chr19:35,845,356, C>T on the plus strand (G>A on the coding strand, the complement: NPHS1 is on the minus strand). VCF-style: chr19-35845356-C-T. GRCh37 (hg19) VCF-style: chr19-36336258-C-T.
Identifiers: ClinVar variation 259486 (VCV000259486.18), dbSNP rs528950, ClinGen allele CA9390289.